The following is an entry in ClinVar:

NM_198503.5(KCNT2):c.2874C>G (p.Ile958Met)

Gene: KCNT2 (potassium sodium-activated channel subfamily T member 2; minus strand). Cytogenetic location: 1q31.3.
Variant type: single nucleotide variant.
Coding change: c.2874C>G on transcript NM_198503.5 (MANE Select); coding-DNA position 2874, C replaced by G.
Protein change: p.Ile958Met; replaces isoleucine 958 with methionine.
Molecular consequence: missense variant. On other transcripts: non-coding transcript variant (2).
Genome position (GRCh38, 1-based): chr1:196,280,896, G>C on the plus strand (C>G on the coding strand, the complement: KCNT2 is on the minus strand). VCF-style: chr1-196280896-G-C. GRCh37 (hg19) VCF-style: chr1-196250026-G-C.
Other names: c.2802C>G, p.Ile934Met (NM_001287819.3); c.2652C>G, p.Ile884Met (NM_001287820.3); short protein forms I884M, I934M, I958M.
Identifiers: ClinVar variation 1676494 (VCV001676494.3), dbSNP rs1214879833, ClinGen allele CA343973957.
Genomic context (GRCh38, chr1:196,280,896, plus strand): 5'-AAGAATATTTTGTTATTTCCAAACCTCAGATGTAGTAAGTTTCTGAGACTCAGTCCTGTA[G>C]ATTCCAATGGGAACATCTCCAGTAGAAGAACACAACTTCTGATAAAGTCTGGCATAAGTT-3'
Protein context (NP_940905.2, residues 948-968): CSSTGDVPIG[Ile958Met]YRTESQKLTT

ClinVar aggregate classification (germline): Uncertain significance (1 of 4 stars; one submission).

gnomAD v4.1: 2 of 1,611,302 alleles (0.00012%); highest among the groups gnomAD compares: Non-Finnish European, 0.000085%; no homozygotes.

Submission:

Greenwood Genetic Center Diagnostic Laboratories, Greenwood Genetic Center
Classification: Uncertain significance. Last evaluated: 2022-03-17. Review status: criteria provided, single submitter. Criteria: ACMG Guidelines, 2015. Collection method: clinical testing. Allele origin: germline. Affected: yes.
Comment: PM2 PP3